The following is an entry in ClinVar:

ClinVar aggregate classification (germline): Conflicting classifications of pathogenicity. Review status: criteria provided, conflicting classifications (1 of 4 stars). 4 submissions from 4 submitters: Uncertain significance (3); Likely benign (1). Last evaluated 2025-11-05.

Conditions:
Hereditary cancer-predisposing syndrome. Also called: Hereditary Cancer Syndrome; Tumor predisposition; Hereditary neoplastic syndrome; Neoplastic Syndromes, Hereditary. Identifiers: Orphanet 140162, MedGen C0027672, MeSH D009386, MONDO:0015356.
Multiple endocrine neoplasia, type 2 (MEN2). Identifiers: Orphanet 653, MedGen C4048306, MONDO:0019003. Disease mechanism: gain of function.

Allele frequency attached by ClinVar (database versions not stated): gnomAD exomes 0.00001.
gnomAD v4.1: 2 of 1,613,892 alleles (0.00012%); no homozygotes.

Submissions (4):

Labcorp Genetics (formerly Invitae), Labcorp
Classification: Uncertain significance for Multiple endocrine neoplasia, type 2. Last evaluated: 2025-11-05. Review status: criteria provided, single submitter. Criteria: Invitae Variant Classification Sherloc (09022015). Collection method: clinical testing. Allele origin: germline.
Comment: This sequence change replaces lysine, which is basic and polar, with arginine, which is basic and polar, at codon 424 of the RET protein (p.Lys424Arg). This variant is present in population databases (no rsID available, gnomAD 0.01%). This variant has not been reported in the literature in individuals affected with RET-related conditions. ClinVar contains an entry for this variant (Variation ID: 645134). An algorithm developed to predict the effect of missense changes on protein structure and function outputs the following: PolyPhen-2: "Probably Damaging". The arginine amino acid residue is found in multiple mammalian species, which suggests that this missense change does not adversely affect protein function. In summary, the available evidence is currently insufficient to determine the role of this variant in disease. Therefore, it has been classified as a Variant of Uncertain Significance.

GeneDx
Classification: Uncertain significance. Last evaluated: 2024-02-27. Review status: criteria provided, single submitter. Criteria: GeneDx Variant Classification Process June 2021. Collection method: clinical testing. Allele origin: germline. Affected: yes.
Comment: Not observed at significant frequency in large population cohorts (gnomAD); In silico analysis supports that this missense variant does not alter protein structure/function; Has not been previously published as pathogenic or benign to our knowledge; This variant is associated with the following publications: (PMID: 14633923)

All of Us Research Program, National Institutes of Health
Classification: Uncertain significance for Multiple endocrine neoplasia, type 2. Last evaluated: 2023-12-01. Review status: criteria provided, single submitter. Criteria: ACMG Guidelines, 2015. Collection method: clinical testing. Allele origin: germline. Inheritance: Autosomal dominant inheritance. Observed: 2 variant alleles, 2 heterozygotes.
Comment: This study involves interpretation of variants in research participants for the purpose of population health screening. Participant phenotype was not available at the time of variant classification. Additional details can be found in publication PMID: 35346344, PMCID: PMC8962531

Ambry Genetics
Classification: Likely benign for Hereditary cancer-predisposing syndrome. Last evaluated: 2022-04-28. Review status: criteria provided, single submitter. Criteria: Ambry Variant Classification Scheme 2023. Collection method: clinical testing. Allele origin: germline.

NM_020975.6(RET):c.1271A>G (p.Lys424Arg)

Gene: RET (ret proto-oncogene; plus strand). Cytogenetic location: 10q11.21.
Variant type: single nucleotide variant.
Coding change: c.1271A>G on transcript NM_020975.6 (MANE Select); coding-DNA position 1271, A replaced by G.
Protein change: p.Lys424Arg; replaces lysine 424 with arginine.
Molecular consequence: missense variant.
Genome position (GRCh38, 1-based): chr10:43,111,214, A>G. VCF-style: chr10-43111214-A-G. GRCh37 (hg19) VCF-style: chr10-43606662-A-G.
Other names: c.1271A>G, p.Lys424Arg (NM_000323.2, NM_001406743.1, NM_001406744.1 and 6 more transcripts); c.509A>G, p.Lys170Arg (NM_001355216.2); c.1142A>G, p.Lys381Arg (NM_001406761.1, NM_001406762.1, NM_001406764.1 and 1 more transcripts); c.983A>G, p.Lys328Arg (NM_001406766.1, NM_001406767.1, NM_001406770.1); c.875A>G, p.Lys292Arg (NM_001406769.1, NM_001406772.1); c.833A>G, p.Lys278Arg (NM_001406771.1, NM_001406773.1); c.746A>G, p.Lys249Arg (NM_001406774.1); c.545A>G, p.Lys182Arg (NM_001406775.1, NM_001406776.1, NM_001406777.1 and 1 more transcripts); and 1 more; short protein forms K424R, K170R, K182R, K249R, K94R, K328R, K278R, K292R.
Identifiers: ClinVar variation 645134 (VCV000645134.15), dbSNP rs1176090269, ClinGen allele CA376548835.